The following continues an entry in ClinVar:

NM_000053.4(ATP7B):c.3809A>G (p.Asn1270Ser)

Gene: ATP7B. ClinVar aggregate classification (germline): Conflicting classifications of pathogenicity. Pathogenic (27); Uncertain significance (1).

Submissions 11 to 21 of 31:

Color Diagnostics, LLC DBA Color Health
Classification: Pathogenic for Wilson disease. Last evaluated: 2024-03-06. Review status: criteria provided, single submitter. Criteria: ACMG Guidelines, 2015. Collection method: clinical testing. Allele origin: germline.
Comment: This missense variant replaces asparagine with serine at codon 1270 of the ATP7B protein. Computational prediction suggests that this variant may have deleterious impact on protein structure and function. This variant alters a residue in the phosphorylation domain of the ATP7B protein (a.a. 1004 - 1031 and a.a. 1197 - 1306), a highly conserved region that is considered to be important for ATP7B protein function (PMID: 35245129; ClinVar). Functional studies in Chinese hamster ovary cells have shown the mutant protein to exhibit significantly reduced copper uptake and transport, and increased phosphorylation relative to wild type (PMID: 22240481). In a separate study, this variant was unable to rescue function in a knockout ccc2 yeast model (PMID: 9654149). This variant has been reported in many individuals affected with Wilson disease (PMID: 7626145, 9311736, 9452121, 10790207, 12544487, 17587212, 18483695, 19419418, 16696937, 23235335, 23518715, 25982861, 26269689, 27398169). In a number of these individuals, this variant was confirmed to be in the homozygous state or in the compound heterozygous state with a second pathogenic variant (PMID: 10790207, 12544487, 18483695, 23518715). This variant has been identified in 55/280972 chromosomes in the general population by the Genome Aggregation Database (gnomAD). Based on the available evidence, this variant is classified as Pathogenic.

Fulgent Genetics
Classification: Pathogenic for Wilson disease. Last evaluated: 2024-03-06. Review status: criteria provided, single submitter. Criteria: ACMG Guidelines, 2015. Collection method: clinical testing. Allele origin: germline.

Neuberg Centre For Genomic Medicine, NCGM
Classification: Pathogenic for Wilson disease. Last evaluated: 2024-02-01. Review status: criteria provided, single submitter. Criteria: ACMG Guidelines, 2015. Collection method: clinical testing. Allele origin: germline. Inheritance: Autosomal recessive inheritance.
Comment: The above variant has been previously reported in homozygous and compound heterozygous states in multiple individuals affected with Wilson disease (Nayagam JS, et al., 2023). This variant has been observed to segregate with disease in related individuals. Functional studies indicate that this variant demonstrates impaired chloride transport and hyperphosphorylation and affects copper transport, supporting a damaging effect (Iida et al., 1998; Huster et al., 2012).

Chongqing Key Laboratory of Child Rare Diseases in Infection and Immunity, Children’s Hospital of Chongqing Medical University
Classification: Uncertain significance for Wilson disease. Last evaluated: 2024-01-01. Review status: criteria provided, single submitter. Criteria: ACMG Guidelines, 2015. Collection method: clinical testing. Allele origin: germline. Inheritance: Autosomal recessive inheritance. Affected: yes.
Comment: Classified as Uncertain significance according to the ACMG/AMP 2015 guidelines (PMID:25741868). The classification was based on the available submitted evidence for Wilson disease (OMIM:277900), including clinical-testing observations, variant consequence/protein annotation, and published or ClinVar evidence where available. Supporting information considered: variant annotation: p.Asn1270Ser; Missense; Protein domain: Core (post-N); submitted notation: NM_000053.4:c.3809A>G (p.Asn1270Ser); source variant type: Missense; source domain: Core (post-N); allele count n=230: 8.

GeneDx
Classification: Pathogenic. Last evaluated: 2023-10-03. Review status: criteria provided, single submitter. Criteria: GeneDx Variant Classification Process June 2021. Collection method: clinical testing. Allele origin: germline.
Comment: Published functional studies indicate that this variant leads to hyperphosphorylation and affects copper transport, supporting a damaging effect (PMID: 9654149, 22240481); In silico analysis supports that this missense variant has a deleterious effect on protein structure/function; This variant is associated with the following publications: (PMID: 24253677, 23518715, 37644014, 34428338, 37937776, 35357466, 30275481, 32154060, 29540233, 22240481, 25637381, 22692182, 8298641, 25982861, 26269689, 27398169, 10194254, 9829905, 19419418, 7626145, 9452121, 12544487, 10790207, 9311736, 20485189, 31589614, 34426522, 34470610, Huong2022[article], 35222532, 33879678, Rosa2022[article], 34002136, 35395623, 35446965, 35314707, 30558096, 33159804, 18483695, 34324271, 30655162, 31708252, 34240825, 34400371, 37737146, 17587212, 15024742, 36096368, 37020998, ZhangT2023[preprint], 9654149, 35220961)

Revvity Omics, Revvity
Classification: Pathogenic for Wilson disease. Last evaluated: 2023-08-09. Review status: criteria provided, single submitter. Criteria: ACMG Guidelines, 2015. Collection method: clinical testing. Allele origin: germline.

Foundation for Research in Genetics and Endocrinology, FRIGE's Institute of Human Genetics
Classification: Pathogenic for Wilson disease. Last evaluated: 2023-06-14. Review status: criteria provided, single submitter. Criteria: ACMG Guidelines, 2015. Collection method: clinical testing. Allele origin: germline. Inheritance: Autosomal recessive inheritance. Affected: yes. Observed: 1 homozygote.
Comment: A homozygous missense variant in exon 18 of the ATP7B gene that results in the amino acid substitution of Serine for Asparagine at codon 1270 (p.Asn1270Ser) was detected. The p.Asn1270Ser variant has not been reported in the 1000 genomes databases and has a minor allele frequency of 0.04%, 0.02% and 0.03% in the gnomAD (v3.1), gnomdAD (v2) and topmed databases respectively. The in silico predictions of the variant are probably damaging by PolyPhen-2 (HumDiv) and damaging by SIFT, LRT and MutationTaster2. The reference codon is conserved across species. In summary, the variant meets our criteria to be classified as pathogenic.

ARUP Laboratories, Molecular Genetics and Genomics, ARUP Laboratories
Classification: Pathogenic for Wilson disease. Last evaluated: 2022-12-22. Review status: criteria provided, single submitter. Criteria: ARUP Molecular Germline Variant Investigation Process 2024. Collection method: clinical testing. Allele origin: germline.
Comment: The ATP7B c.3809A>G; p.Asn1270Ser variant (rs121907990) is reported in the literature in numerous individuals affected with Wilson disease (Abuduxikuer 2015, Barada 2010, Daneshjoo 2018, Guggilla 2015, Hua 2016, Tanzi 1993, Todorov 2005). This variant has been reported to cosegregate with disease in families, both in the homozygous state (Barada 2010, Tanzi 1993) and in trans to another pathogenic variant (Daneshjoo 2018). The asparagine at codon 1270 is highly conserved, and computational analyses predict that this variant is deleterious (REVEL: 0.896). Biochemical analyses indicate this variant has severely reduced copper transport activity (Huster 2012), and it fails to rescue growth defects of mutant yeast to the extent of wildtype protein (Iida 1998). Additionally, other variants at this codon (p.Asn1270Asp, p.Asn1270Ile) have been reported in Wilson disease patients (Nemeth 2016, Tuan Pham 2017). The p.Asn1270Ser variant is reported in ClinVar (Variation ID: 3859), and is found in the general population with an overall allele frequency of 0.020% (55/280972 alleles, including a single homozygote) in the Genome Aggregation Database. Based on available information, the p.Asn1270Ser variant is considered to be pathogenic. References: Abuduxikuer K et al. Wilson disease with hepatic presentation in an eight-month-old boy. World J Gastroenterol. 2015 Aug 7;21(29):8981-4. PMID: 26269689. Barada K et al. Homozygous mutations in the conserved ATP hinge region of the Wilson disease gene: association with liver disease. J Clin Gastroenterol. 2010 Jul;44(6):432-9. PMID: 20485189. Daneshjoo O and Garshasbi M. Novel compound heterozygote mutations in the ATP7B gene in an Iranian family with Wilson disease: a case report. J Med Case Rep. 2018 Mar 15;12(1):68. PMID: 29540233. Guggilla SR et al. Spectrum of mutations in the ATP binding domain of ATP7B gene of Wilson Disease in a regional Indian cohort. Gene. 2015 Sep 10;569(1):83-7. PMID: 25982861. Hua R et al. Mutational analysis of ATP7B in Chinese Wilson disease patients. Am J Transl Res. 2016 Jun 15;8(6):2851-61. PMID: 27398169. Huster D et al. Diverse functional properties of Wilson disease ATP7B variants. Gastroenterology. 2012 Apr;142(4):947-956.e5. PMID: 22240481. Iida M et al. Analysis of functional domains of Wilson disease protein (ATP7B) in Saccharomyces cerevisiae. FEBS Lett. 1998 May 29;428(3):281-5. PMID: 9654149. Nemeth D et al. Clinical Use of Next-Generation Sequencing in the Diagnosis of Wilson's Disease. Gastroenterol Res Pract. 2016;2016:4548039. PMID: 26819605. Tanzi RE et al. The Wilson disease gene is a copper transporting ATPase with homology to the Menkes disease gene. Nat Genet. 1993 Dec;5(4):344-50. PMID: 8298641. Todorov T et al. Spectrum of mutations in the Wilson disease gene (ATP7B) in the Bulgarian population. Clin Genet. 2005 Nov;68(5):474-6. PMID: 16207219. Tuan Pham LA et al. Genetic analysis of 55 northern Vietnamese patients with Wilson disease: seven novel mutations in ATP7B. J Genet. 2017 Dec;96(6):933-939. PMID: 29321352.

Department of Human Genetics, Hannover Medical School
Classification: Pathogenic for Wilson disease. Last evaluated: 2022-12-20. Review status: criteria provided, single submitter. Criteria: ACMG Guidelines, 2015. Collection method: clinical testing. Allele origin: germline. Inheritance: Autosomal recessive inheritance. Affected: yes.

Mayo Clinic Laboratories, Mayo Clinic
Classification: Pathogenic. Last evaluated: 2021-11-08. Review status: criteria provided, single submitter. Criteria: ACMG Guidelines, 2015. Collection method: clinical testing. Allele origin: germline. Observed: 7 variant alleles.
Comment: PP3, PP4, PP5, PM2_moderate, PS3, PS4_moderate

Genome-Nilou Lab
Classification: Pathogenic for Wilson disease. Last evaluated: 2021-07-22. Review status: criteria provided, single submitter. Criteria: ACMG Guidelines, 2015. Collection method: clinical testing. Allele origin: germline. Affected: no.